The following is an entry in ClinVar:

ClinVar aggregate classification (germline): Uncertain significance (1 of 4 stars; one submission).

Allele frequency attached by ClinVar (database versions not stated): gnomAD exomes below 0.00001; gnomAD 0.00001; TOPMed 0.00001.
gnomAD v4.1: 3 of 1,604,802 alleles (0.00019%); highest among the groups gnomAD compares: African/African-American, 0.004%; no homozygotes.

Submission:

Ambry Genetics
Classification: Uncertain significance. Last evaluated: 2023-02-05. Review status: criteria provided, single submitter. Criteria: Ambry Variant Classification Scheme 2023. Collection method: clinical testing. Allele origin: germline.
Comment: The p.S80G variant (also known as c.238A>G), located in coding exon 4 of the BUB1 gene, results from an A to G substitution at nucleotide position 238. The serine at codon 80 is replaced by glycine, an amino acid with similar properties. This amino acid position is conserved. In addition, this alteration is predicted to be tolerated by in silico analysis. Since supporting evidence is limited at this time, the clinical significance of this alteration remains unclear.

NM_004336.5(BUB1):c.238A>G (p.Ser80Gly)

Gene: BUB1 (BUB1 mitotic checkpoint serine/threonine kinase; minus strand). Cytogenetic location: 2q13.
Variant type: single nucleotide variant.
Coding change: c.238A>G on transcript NM_004336.5 (MANE Select); coding-DNA position 238, A replaced by G.
Protein change: p.Ser80Gly; replaces serine 80 with glycine.
Molecular consequence: missense variant.
Genome position (GRCh38, 1-based): chr2:110,672,845, T>C on the plus strand (A>G on the coding strand, the complement: BUB1 is on the minus strand). VCF-style: chr2-110672845-T-C. GRCh37 (hg19) VCF-style: chr2-111430422-T-C.
Other names: c.178A>G, p.Ser60Gly (NM_001278616.2); c.238A>G, p.Ser80Gly (NM_001278617.2); short protein forms S60G, S80G.
Identifiers: ClinVar variation 2464541 (VCV002464541.2), dbSNP rs1201014573, ClinGen allele CA348220731.
Genomic context (GRCh38, chr2:110,672,845, plus strand): 5'-GGGATGACAGGGTTCCAATCCCATGGTTGTACAGAAACTCAAAAAATTGATGGAGGTCAC[T>C]GTTGTACTCAGCCTACACGAACCCAAAACAAAAAGACATAAGAATAATGGAACTGCTAGT-3'
Protein context (NP_004327.1, residues 70-90): SYCLKFAEYN[Ser80Gly]DLHQFFEFLY